The following is an entry in ClinVar:

ClinVar aggregate classification (germline): Uncertain significance. Review status: criteria provided, multiple submitters, no conflicts (2 of 4 stars). 2 submissions from 2 submitters: Uncertain significance (2). Last evaluated 2025-12-03.

Conditions:
Inborn genetic diseases. Identifiers: MedGen C0950123, MeSH D030342.

Allele frequency attached by ClinVar (database versions not stated): TOPMed below 0.00001; gnomAD exomes 0.00001; ExAC 0.00007.

Submissions (2):

Ambry Genetics
Classification: Uncertain significance for Inborn genetic diseases. Last evaluated: 2025-12-03. Review status: criteria provided, single submitter. Criteria: Ambry Variant Classification Scheme 2023. Collection method: clinical testing. Allele origin: germline.

CeGaT Center for Human Genetics Tuebingen
Classification: Uncertain significance. Last evaluated: 2022-08-01. Review status: criteria provided, single submitter. Criteria: CeGaT Center For Human Genetics Tuebingen Variant Classification Criteria Version 2. Collection method: clinical testing. Allele origin: germline. Affected: yes. Observed: 1 variant allele.
Comment: HYDIN: PM2:Supporting, BP4

NM_001270974.2(HYDIN):c.2329A>G (p.Arg777Gly)

Gene: HYDIN (HYDIN axonemal central pair apparatus protein; minus strand). Cytogenetic location: 16q22.2.
Variant type: single nucleotide variant.
Coding change: c.2329A>G on transcript NM_001270974.2 (MANE Select); coding-DNA position 2329, A replaced by G.
Protein change: p.Arg777Gly; replaces arginine 777 with glycine.
Molecular consequence: missense variant.
Genome position (GRCh38, 1-based): chr16:71,062,216, T>C on the plus strand (A>G on the coding strand, the complement: HYDIN is on the minus strand). VCF-style: chr16-71062216-T-C. GRCh37 (hg19) VCF-style: chr16-71096119-T-C.
Other names: c.2410A>G, p.Arg804Gly (NM_001198542.1); c.2380A>G, p.Arg794Gly (NM_001198543.1); c.2329A>G, p.Arg777Gly (NM_017558.5); short protein forms R794G, R804G, R777G.
Identifiers: ClinVar variation 2225203 (VCV002225203.26), dbSNP rs751816079, ClinGen allele CA8151076.